The following is an entry in ClinVar:

ClinVar aggregate classification (germline): Uncertain significance (1 of 4 stars; one submission).

Conditions:
Common variable immunodeficiency (CVID). Also called: Common variable hypogamma-globulinemia; Common variable agammaglobulinemia. Identifiers: Orphanet 1572, MedGen C0009447, MONDO:0015517.

Allele frequency attached by ClinVar (database versions not stated): gnomAD exomes 0.00001.
gnomAD v4.1: 7 of 1,613,950 alleles (0.00043%); highest among the groups gnomAD compares: Non-Finnish European, 0.00059%; no homozygotes.

Submission:

Labcorp Genetics (formerly Invitae), Labcorp
Classification: Uncertain significance for Common variable immunodeficiency. Last evaluated: 2023-05-25. Review status: criteria provided, single submitter. Criteria: Invitae Variant Classification Sherloc (09022015). Collection method: clinical testing. Allele origin: germline.
Comment: In summary, the available evidence is currently insufficient to determine the role of this variant in disease. Therefore, it has been classified as a Variant of Uncertain Significance. An algorithm developed to predict the effect of missense changes on protein structure and function (PolyPhen-2) suggests that this variant is likely to be tolerated. ClinVar contains an entry for this variant (Variation ID: 957771). This variant has not been reported in the literature in individuals affected with TNFSF12-related conditions. This variant is not present in population databases (gnomAD no frequency). This sequence change replaces alanine, which is neutral and non-polar, with threonine, which is neutral and polar, at codon 122 of the TNFSF12 protein (p.Ala122Thr).

NM_003809.3(TNFSF12):c.364G>A (p.Ala122Thr)

Genes: TNFSF12 (TNF superfamily member 12; plus strand), TNFSF12-TNFSF13 (TNFSF12-TNFSF13 readthrough; plus strand). Cytogenetic location: 17p13.1.
Variant type: single nucleotide variant.
Coding change: c.364G>A on transcript NM_003809.3 (MANE Select); coding-DNA position 364, G replaced by A.
Protein change: p.Ala122Thr; replaces alanine 122 with threonine.
Molecular consequence: missense variant. On other transcripts: non-coding transcript variant (1).
Genome position (GRCh38, 1-based): chr17:7,550,969, G>A. VCF-style: chr17-7550969-G-A. GRCh37 (hg19) VCF-style: chr17-7454286-G-A.
Other names: c.364G>A, p.Ala122Thr (NM_172089.4); short protein forms A122T.
Identifiers: ClinVar variation 957771 (VCV000957771.10), dbSNP rs2070995050, ClinGen allele CA397857913.